The following is an entry in ClinVar:

NM_020738.4(KIDINS220):c.5109G>A (p.Glu1703=)

Gene: KIDINS220 (kinase D interacting substrate 220; minus strand). Cytogenetic location: 2p25.1.
Variant type: single nucleotide variant.
Coding change: c.5109G>A on transcript NM_020738.4 (MANE Select); coding-DNA position 5109, G replaced by A.
Protein change: p.Glu1703=; no amino-acid change (glutamic acid 1703 retained).
Molecular consequence: synonymous variant. On other transcripts: intron variant (6).
Genome position (GRCh38, 1-based): chr2:8,730,927, C>T on the plus strand (G>A on the coding strand, the complement: KIDINS220 is on the minus strand). VCF-style: chr2-8730927-C-T. GRCh37 (hg19) VCF-style: chr2-8871057-C-T.
Other names: c.5112G>A, p.Glu1704= (NM_001348729.2); c.5055G>A, p.Glu1685= (NM_001348731.2); c.5052G>A, p.Glu1684= (NM_001348732.2); c.4941G>A, p.Glu1647= (NM_001348734.2); c.4938G>A, p.Glu1646= (NM_001348735.2); c.4812G>A, p.Glu1604= (NM_001348736.2); c.3882+2517G>A (NM_001348741.2, NM_001348742.2, NM_001348743.2); c.3996+2517G>A (NM_001348738.2); and 1 more.
Identifiers: ClinVar variation 3356044 (VCV003356044.1).

ClinVar aggregate classification (germline): Likely benign (0 of 4 stars; one submission).

Conditions:
KIDINS220-related disorder. Also called: KIDINS220-related condition.

gnomAD v4.1: 7 of 1,614,216 alleles (0.00043%); highest among the groups gnomAD compares: Non-Finnish European, 0.00059%; no homozygotes.

Submission:

PreventionGenetics, part of Exact Sciences
Classification: Likely benign for KIDINS220-related condition. Last evaluated: 2023-01-26. Review status: no assertion criteria provided. Collection method: clinical testing. Allele origin: germline.
Comment: This variant is classified as likely benign based on ACMG/AMP sequence variant interpretation guidelines (Richards et al. 2015 PMID: 25741868, with internal and published modifications).